The following is an entry in ClinVar:

NM_198525.3(KIF7):c.2989G>A (p.Ala997Thr)

Gene: KIF7 (kinesin family member 7; minus strand). Cytogenetic location: 15q26.1.
Variant type: single nucleotide variant.
Coding change: c.2989G>A on transcript NM_198525.3 (MANE Select); coding-DNA position 2989, G replaced by A.
Protein change: p.Ala997Thr; replaces alanine 997 with threonine.
Molecular consequence: missense variant.
Genome position (GRCh38, 1-based): chr15:89,631,617, C>T on the plus strand (G>A on the coding strand, the complement: KIF7 is on the minus strand). VCF-style: chr15-89631617-C-T. GRCh37 (hg19) VCF-style: chr15-90174848-C-T.
Other names: short protein forms A997T.
Identifiers: ClinVar variation 1903171 (VCV001903171.5), dbSNP rs140680470, ClinGen allele CA7727865.

ClinVar aggregate classification (germline): Uncertain significance (1 of 4 stars; one submission).

Conditions:
Acrocallosal syndrome (ACLS). Also called: Schinzel syndrome 1; Absence of corpus callosum with unusual facial appearance, mental deficiency, duplication of the halluces and polydactyly; HALLUX DUPLICATION, POSTAXIAL POLYDACTYLY, AND ABSENCE OF CORPUS CALLOSUM. Identifiers: Orphanet 36, MedGen C0796147, MONDO:0008708, OMIM 200990.

Allele frequency attached by ClinVar (database versions not stated): gnomAD exomes below 0.00001; gnomAD 0.00001; ExAC 0.00004; ESP Exome Variant Server 0.00008.
gnomAD v4.1: 5 of 1,560,820 alleles (0.00032%); highest among the groups gnomAD compares: African/African-American, 0.0014%; no homozygotes.

Submission:

Labcorp Genetics (formerly Invitae), Labcorp
Classification: Uncertain significance for Acrocallosal syndrome. Last evaluated: 2023-11-13. Review status: criteria provided, single submitter. Criteria: Invitae Variant Classification Sherloc (09022015). Collection method: clinical testing. Allele origin: germline.
Comment: This sequence change replaces alanine, which is neutral and non-polar, with threonine, which is neutral and polar, at codon 997 of the KIF7 protein (p.Ala997Thr). This variant is not present in population databases (gnomAD no frequency). This variant has not been reported in the literature in individuals affected with KIF7-related conditions. ClinVar contains an entry for this variant (Variation ID: 1903171). Advanced modeling of protein sequence and biophysical properties (such as structural, functional, and spatial information, amino acid conservation, physicochemical variation, residue mobility, and thermodynamic stability) performed at Invitae indicates that this missense variant is not expected to disrupt KIF7 protein function with a negative predictive value of 80%. In summary, the available evidence is currently insufficient to determine the role of this variant in disease. Therefore, it has been classified as a Variant of Uncertain Significance.